The following is an entry in ClinVar:

ClinVar aggregate classification (germline): Uncertain significance (1 of 4 stars; one submission).

Conditions:
Neurofibromatosis, type 1 (NF1). Also called: Peripheral type neurofibromatosis; Neurofibromatosis, type I; VON RECKLINGHAUSEN DISEASE; NEUROFIBROMATOSIS, TYPE I, SOMATIC. Identifiers: Orphanet 636, MedGen C0027831, MONDO:0018975, OMIM 162200. Disease mechanism: loss of function.

Submission:

Labcorp Genetics (formerly Invitae), Labcorp
Classification: Uncertain significance for Neurofibromatosis, type 1. Last evaluated: 2019-11-26. Review status: criteria provided, single submitter. Criteria: Invitae Variant Classification Sherloc (09022015). Collection method: clinical testing. Allele origin: germline.
Comment: In summary, the available evidence is currently insufficient to determine the role of this variant in disease. Therefore, it has been classified as a Variant of Uncertain Significance. Algorithms developed to predict the effect of missense changes on protein structure and function (SIFT, PolyPhen-2, Align-GVGD) all suggest that this variant is likely to be tolerated, but these predictions have not been confirmed by published functional studies and their clinical significance is uncertain. This variant has not been reported in the literature in individuals with NF1-related conditions. This variant is not present in population databases (ExAC no frequency). This sequence change replaces proline with alanine at codon 22 of the NF1 protein (p.Pro22Ala). The proline residue is highly conserved and there is a small physicochemical difference between proline and alanine.

NM_001042492.3(NF1):c.64C>G (p.Pro22Ala)

Gene: NF1 (neurofibromin 1; plus strand). Cytogenetic location: 17q11.2.
Variant type: single nucleotide variant.
Coding change: c.64C>G on transcript NM_001042492.3 (MANE Select); coding-DNA position 64, C replaced by G.
Protein change: p.Pro22Ala; replaces proline 22 with alanine.
Molecular consequence: missense variant.
Genome position (GRCh38, 1-based): chr17:31,155,986, C>G. VCF-style: chr17-31155986-C-G. GRCh37 (hg19) VCF-style: chr17-29483004-C-G.
Other names: c.64C>G, p.Pro22Ala (NM_000267.4, NM_001128147.3); short protein forms P22A.
Identifiers: ClinVar variation 837341 (VCV000837341.6), dbSNP rs1597625794, ClinGen allele CA398988026.